The following is an entry in ClinVar:

ClinVar aggregate classification (germline): Uncertain significance (1 of 4 stars; one submission).

Conditions:
Glycogen storage disease type III (GSD3). Also called: Cori disease; FORBES DISEASE. Identifiers: Orphanet 366, MedGen C0017922, MONDO:0009291, OMIM 232400.

Allele frequency attached by ClinVar (database versions not stated): TOPMed below 0.00001; gnomAD 0.00001; gnomAD exomes 0.00001; ExAC 0.00002.
gnomAD v4.1: 14 of 1,613,976 alleles (0.00087%); highest among the groups gnomAD compares: Non-Finnish European, 0.0012%; no homozygotes.

Submission:

Labcorp Genetics (formerly Invitae), Labcorp
Classification: Uncertain significance for Glycogen storage disease type III. Last evaluated: 2024-06-19. Review status: criteria provided, single submitter. Criteria: Invitae Variant Classification Sherloc (09022015). Collection method: clinical testing. Allele origin: germline.
Comment: This sequence change replaces histidine, which is basic and polar, with arginine, which is basic and polar, at codon 120 of the AGL protein (p.His120Arg). The frequency data for this variant in the population databases is considered unreliable, as metrics indicate poor data quality at this position in the gnomAD database. This variant has not been reported in the literature in individuals affected with AGL-related conditions. ClinVar contains an entry for this variant (Variation ID: 2062365). Advanced modeling of protein sequence and biophysical properties (such as structural, functional, and spatial information, amino acid conservation, physicochemical variation, residue mobility, and thermodynamic stability) performed at Invitae indicates that this missense variant is not expected to disrupt AGL protein function with a negative predictive value of 80%. In summary, the available evidence is currently insufficient to determine the role of this variant in disease. Therefore, it has been classified as a Variant of Uncertain Significance.

NM_000642.3(AGL):c.359A>G (p.His120Arg)

Gene: AGL (amylo-alpha-1,6-glucosidase and 4-alpha-glucanotransferase; plus strand). Cytogenetic location: 1p21.2.
Variant type: single nucleotide variant.
Coding change: c.359A>G on transcript NM_000642.3 (MANE Select); coding-DNA position 359, A replaced by G.
Protein change: p.His120Arg; replaces histidine 120 with arginine.
Molecular consequence: missense variant.
Genome position (GRCh38, 1-based): chr1:99,862,322, A>G. VCF-style: chr1-99862322-A-G. GRCh37 (hg19) VCF-style: chr1-100327878-A-G.
Other names: c.359A>G, p.His120Arg (NM_000028.3, NM_000643.3, NM_000644.3 and 5 more transcripts); c.311A>G, p.His104Arg (NM_000646.3); short protein forms H104R, H120R.
Identifiers: ClinVar variation 2062365 (VCV002062365.2), dbSNP rs758162985, ClinGen allele CA966144.